The following is an entry in ClinVar:

ClinVar aggregate classification (germline): Uncertain significance. Review status: criteria provided, multiple submitters, no conflicts (2 of 4 stars). 4 submissions from 4 submitters: Uncertain significance (4). Last evaluated 2024-08-22.

Conditions:
Cardiovascular phenotype. Identifiers: MedGen CN230736.
Hereditary cancer-predisposing syndrome. Also called: Hereditary neoplastic syndrome; Neoplastic Syndromes, Hereditary; Tumor predisposition; Hereditary Cancer Syndrome. Identifiers: Orphanet 140162, MedGen C0027672, MeSH D009386, MONDO:0015356.
Juvenile myelomonocytic leukemia (JMML). Also called: LEUKEMIA, JUVENILE MYELOMONOCYTIC, SOMATIC. Identifiers: Orphanet 86834, MedGen C0349639, MONDO:0011908, OMIM 607785, HP:0012209.
Neurofibromatosis-Noonan syndrome (NFNS). Also called: NEUROFIBROMATOSIS WITH NOONAN PHENOTYPE. Identifiers: Orphanet 638, MedGen C2931482, MONDO:0011035, OMIM 601321. Disease mechanism: loss of function.
Neurofibromatosis, familial spinal (FSNF). Identifiers: Orphanet 636, MedGen C1834235, MONDO:0008078, OMIM 162210. Disease mechanism: loss of function.
Neurofibromatosis, type 1 (NF1). Also called: VON RECKLINGHAUSEN DISEASE; Peripheral type neurofibromatosis; NEUROFIBROMATOSIS, TYPE I, SOMATIC; Neurofibromatosis, type I. Identifiers: Orphanet 636, MedGen C0027831, MONDO:0018975, OMIM 162200. Disease mechanism: loss of function.
Café-au-lait macules with pulmonary stenosis (WTSN). Also called: PULMONIC STENOSIS WITH CAFE-AU-LAIT SPOTS. Identifiers: MedGen C0553586, MONDO:0008672, OMIM 193520.

Allele frequency attached by ClinVar (database versions not stated): TOPMed below 0.00001.

Submissions (4):

Labcorp Genetics (formerly Invitae), Labcorp
Classification: Uncertain significance for Neurofibromatosis, type 1. Last evaluated: 2024-08-22. Review status: criteria provided, single submitter. Criteria: Invitae Variant Classification Sherloc (09022015). Collection method: clinical testing. Allele origin: germline.
Comment: This sequence change replaces isoleucine, which is neutral and non-polar, with leucine, which is neutral and non-polar, at codon 1478 of the NF1 protein (p.Ile1478Leu). This variant is not present in population databases (gnomAD no frequency). This variant has not been reported in the literature in individuals affected with NF1-related conditions. ClinVar contains an entry for this variant (Variation ID: 480184). Invitae Evidence Modeling of protein sequence and biophysical properties (such as structural, functional, and spatial information, amino acid conservation, physicochemical variation, residue mobility, and thermodynamic stability) has been performed for this missense variant. However, the output from this modeling did not meet the statistical confidence thresholds required to predict the impact of this variant on NF1 protein function. In summary, the available evidence is currently insufficient to determine the role of this variant in disease. Therefore, it has been classified as a Variant of Uncertain Significance.

Fulgent Genetics
Classification: Uncertain significance for Neurofibromatosis, type 1; Neurofibromatosis, familial spinal; Café-au-lait macules with pulmonary stenosis; Neurofibromatosis-Noonan syndrome; Juvenile myelomonocytic leukemia. Last evaluated: 2024-06-01. Review status: criteria provided, single submitter. Criteria: ACMG Guidelines, 2015. Collection method: clinical testing. Allele origin: germline.

Ambry Genetics
Classification: Uncertain significance for Cardiovascular phenotype; Hereditary cancer-predisposing syndrome. Last evaluated: 2023-10-23. Review status: criteria provided, single submitter. Criteria: Ambry Variant Classification Scheme 2023. Collection method: clinical testing. Allele origin: germline.
Comment: The p.I1478L variant (also known as c.4432A>C), located in coding exon 33 of the NF1 gene, results from an A to C substitution at nucleotide position 4432. The isoleucine at codon 1478 is replaced by leucine, an amino acid with highly similar properties. This amino acid position is highly conserved in available vertebrate species. In addition, the in silico prediction for this alteration is inconclusive. Since supporting evidence is limited at this time, the clinical significance of this alteration remains unclear.

Genome-Nilou Lab
Classification: Uncertain significance for Neurofibromatosis, type 1. Last evaluated: 2022-03-15. Review status: criteria provided, single submitter. Criteria: ACMG Guidelines, 2015. Collection method: clinical testing. Allele origin: germline. Affected: no.

NM_001042492.3(NF1):c.4495A>C (p.Ile1499Leu)

Gene: NF1 (neurofibromin 1; plus strand). Cytogenetic location: 17q11.2.
Variant type: single nucleotide variant.
Coding change: c.4495A>C on transcript NM_001042492.3 (MANE Select); coding-DNA position 4495, A replaced by C.
Protein change: p.Ile1499Leu; replaces isoleucine 1499 with leucine.
Molecular consequence: missense variant.
Genome position (GRCh38, 1-based): chr17:31,260,433, A>C. VCF-style: chr17-31260433-A-C. GRCh37 (hg19) VCF-style: chr17-29587451-A-C.
Other names: c.4432A>C, p.Ile1478Leu (NM_000267.4); short protein forms I1499L, I1478L.
Identifiers: ClinVar variation 480184 (VCV000480184.14), dbSNP rs764654925, ClinGen allele CA398999475.